The following is an entry in ClinVar:

NM_000264.5(PTCH1):c.2068G>C (p.Val690Leu)

Genes: PTCH1 (patched 1; minus strand), LOC100507346 (uncharacterized LOC100507346; plus strand). Cytogenetic location: 9q22.32.
Variant type: single nucleotide variant.
Coding change: c.2068G>C on transcript NM_000264.5 (MANE Select); coding-DNA position 2068, G replaced by C.
Protein change: p.Val690Leu; replaces valine 690 with leucine.
Molecular consequence: missense variant. On other transcripts: non-coding transcript variant (2).
Genome position (GRCh38, 1-based): chr9:95,468,933, C>G on the plus strand (G>C on the coding strand, the complement: PTCH1 is on the minus strand). VCF-style: chr9-95468933-C-G. GRCh37 (hg19) VCF-style: chr9-98231215-C-G.
Other names: c.1870G>C, p.Val624Leu (NM_001083602.3); c.2065G>C, p.Val689Leu (NM_001083603.3); c.1615G>C, p.Val539Leu (NM_001083604.3, NM_001083605.3, NM_001083606.3 and 1 more transcripts); c.1912G>C, p.Val638Leu (NM_001354918.2); short protein forms V539L, V624L, V638L, V689L, V690L.
Identifiers: ClinVar variation 1038303 (VCV001038303.12), dbSNP rs750970743, ClinGen allele CA374115727.

ClinVar aggregate classification (germline): Uncertain significance. Review status: criteria provided, multiple submitters, no conflicts (2 of 4 stars). 2 submissions from 2 submitters: Uncertain significance (2). Last evaluated 2025-05-28.

Conditions:
Gorlin syndrome. Also called: Basal cell nevus syndrome; Nevoid Basal Cell Carcinoma Syndrome. Identifiers: Orphanet 377, MedGen C0004779, MONDO:0007187.
Hereditary cancer-predisposing syndrome. Also called: Neoplastic Syndromes, Hereditary; Hereditary Cancer Syndrome; Tumor predisposition; Hereditary neoplastic syndrome. Identifiers: Orphanet 140162, MedGen C0027672, MeSH D009386, MONDO:0015356.

Submissions (2):

Ambry Genetics
Classification: Uncertain significance for Hereditary cancer-predisposing syndrome. Last evaluated: 2025-05-28. Review status: criteria provided, single submitter. Criteria: Ambry Variant Classification Scheme 2023. Collection method: clinical testing. Allele origin: germline.
Comment: The p.V690L variant (also known as c.2068G>C), located in coding exon 14 of the PTCH1 gene, results from a G to C substitution at nucleotide position 2068. The valine at codon 690 is replaced by leucine, an amino acid with highly similar properties. This amino acid position is conserved. In addition, this alteration is predicted to be tolerated by in silico analysis. Since supporting evidence is limited at this time, the clinical significance of this alteration remains unclear.

Labcorp Genetics (formerly Invitae), Labcorp
Classification: Uncertain significance for Gorlin syndrome. Last evaluated: 2021-07-22. Review status: criteria provided, single submitter. Criteria: Invitae Variant Classification Sherloc (09022015). Collection method: clinical testing. Allele origin: germline.
Comment: In summary, the available evidence is currently insufficient to determine the role of this variant in disease. Therefore, it has been classified as a Variant of Uncertain Significance. Algorithms developed to predict the effect of missense changes on protein structure and function output the following: SIFT: "Tolerated"; PolyPhen-2: "Benign"; Align-GVGD: "Class C0". The leucine amino acid residue is found in multiple mammalian species, suggesting that this missense change does not adversely affect protein function. These predictions have not been confirmed by published functional studies and their clinical significance is uncertain. This variant has not been reported in the literature in individuals with PTCH1-related conditions. This variant is not present in population databases (ExAC no frequency). This sequence change replaces valine with leucine at codon 690 of the PTCH1 protein (p.Val690Leu). The valine residue is weakly conserved and there is a small physicochemical difference between valine and leucine.